The following is an entry in ClinVar:

ClinVar aggregate classification (germline): Likely pathogenic (1 of 4 stars; one submission).

Conditions:
Tooth agenesis, selective, 3 (STHAG3). Also called: HYPODONTIA/OLIGODONTIA 3. Identifiers: Orphanet 99798, MedGen C1970291, MONDO:0011477, OMIM 604625. Disease mechanism: loss of function.

Allele frequency attached by ClinVar (database versions not stated): gnomAD exomes below 0.00001.
gnomAD v4.1: 1 of 1,614,154 alleles (0.000062%); highest among the groups gnomAD compares: Non-Finnish European, 0.000085%; no homozygotes.

Submission:

Victorian Clinical Genetics Services, Murdoch Childrens Research Institute
Classification: Likely pathogenic for Tooth agenesis, selective, 3. Last evaluated: 2023-07-17. Review status: criteria provided, single submitter. Criteria: ACMG Guidelines, 2015. Collection method: clinical testing. Allele origin: germline. Inheritance: Autosomal dominant inheritance. Affected: yes.
Comment: Based on the classification scheme VCGS_Germline_v1.3.4, this variant is classified as Likely pathogenic. Following criteria are met: 0102 - Loss of function is a known mechanism of disease in this gene and is associated with tooth agenesis, selective, 3 (MIM#604625). (I) 0107 - This gene is associated with autosomal dominant disease. (I) 0200 - Variant is predicted to result in a missense amino acid change from serine to phenylalanine. (I) 0251 - This variant is heterozygous. (I) 0301 - Variant is absent from gnomAD (both v2 and v3). (SP) 0501 - Missense variant consistently predicted to be damaging by multiple in silico tools or highly conserved with a major amino acid change. (SP) 0600 - Variant is located in the annotated paired box domain (DECIPHER). (I) 0705 - No comparable missense variants have previous evidence for pathogenicity. (I) 0809 - Previous evidence of pathogenicity for this variant is inconclusive. This variant has been classified as a VUS in LOVD. (I) 0905 - No published segregation evidence has been identified for this variant. (I) 1007 - No published functional evidence has been identified for this variant. (SP) Legend: (SP) - Supporting pathogenic, (I) - Information, (SB) - Supporting benign

NM_001372076.1(PAX9):c.356C>T (p.Ser119Phe)

Gene: PAX9 (paired box 9; plus strand). Cytogenetic location: 14q13.3.
Variant type: single nucleotide variant.
Coding change: c.356C>T on transcript NM_001372076.1 (MANE Select); coding-DNA position 356, C replaced by T.
Protein change: p.Ser119Phe; replaces serine 119 with phenylalanine.
Molecular consequence: missense variant.
Genome position (GRCh38, 1-based): chr14:36,663,248, C>T. VCF-style: chr14-36663248-C-T. GRCh37 (hg19) VCF-style: chr14-37132453-C-T.
Other names: c.356C>T, p.Ser119Phe (NM_006194.4); short protein forms S119F.
Identifiers: ClinVar variation 3254837 (VCV003254837.1), dbSNP rs2502238046.
Genomic context (GRCh38, chr14:36,663,248, plus strand): 5'-CCTGGGAGATCCGGGACCGCCTGCTGGCGGACGGCGTGTGCGACAAGTACAATGTGCCCT[C>T]CGTGAGCTCCATCAGCCGCATTCTGCGCAACAAGATCGGCAACTTGGCCCAGCAGGGTCA-3'
Protein context (NP_001359005.1, residues 109-129): DGVCDKYNVP[Ser119Phe]VSSISRILRN